The following is an entry in ClinVar:

ClinVar aggregate classification (germline): Likely benign (1 of 4 stars; one submission).

Conditions:
Cataract 5 multiple types (CTRCT5). Also called: CATARACT 5, LAMELLAR; Lamellar cataract; CATARACT, MARNER TYPE. Identifiers: Orphanet 91492, MedGen C0266537, MONDO:0007290, OMIM 116800, HP:0007971.

Allele frequency attached by ClinVar (database versions not stated): ExAC 0.00004; gnomAD 0.00004; TOPMed 0.00004; gnomAD exomes 0.00006.
gnomAD v4.1: 34 of 1,613,126 alleles (0.0021%); highest among the groups gnomAD compares: Non-Finnish European, 0.00034%; no homozygotes.

Submission:

Illumina Laboratory Services, Illumina
Classification: Likely benign for Cataract 5 multiple types. Last evaluated: 2018-01-12. Review status: criteria provided, single submitter. Criteria: ICSL Variant Classification Criteria 13 December 2019. Collection method: clinical testing. Allele origin: germline.
Comment: This variant was observed in the ICSL laboratory as part of a predisposition screen in an ostensibly healthy population. It had not been previously curated by ICSL or reported in the Human Gene Mutation Database (HGMD: prior to June 1st, 2018), and was therefore a candidate for classification through an automated scoring system. Utilizing variant allele frequency, disease prevalence and penetrance estimates, and inheritance mode, an automated score was calculated to assess if this variant is too frequent to cause the disease. Based on the score and internal cut-off values, a variant classified as likely benign is not then subjected to further curation. The score for this variant resulted in a classification of likely benign for this disease.

NM_001374675.1(HSF4):c.854+5G>A

Gene: HSF4 (heat shock transcription factor 4; plus strand). Cytogenetic location: 16q22.1.
Variant type: single nucleotide variant.
Coding change: c.854+5G>A on transcript NM_001374675.1 (MANE Select); 5 bases into the intron after coding-DNA position 854, G replaced by A.
Molecular consequence: intron variant.
Genome position (GRCh38, 1-based): chr16:67,167,604, G>A. VCF-style: chr16-67167604-G-A. GRCh37 (hg19) VCF-style: chr16-67201507-G-A.
Other names: c.868+5G>A (NM_001538.4, NM_001374674.1); c.854+5G>A (NM_001040667.3).
Identifiers: ClinVar variation 885526 (VCV000885526.4), dbSNP rs775017771, ClinGen allele CA8102001.
Genomic context (GRCh38, chr16:67,167,604, plus strand): 5'-GAAGACTCTCCATCCCCTGAGGGGACCAGGCTTTCTCCCTCCAGTGATGGCAGGAGGTAA[G>A]GGGGACAGGGCTGCCCCTGAGGGGCCTGTGGGGGAGGGCCTGGCAGCCCAGATGGCTGTA-3'